The following is an entry in ClinVar:

ClinVar aggregate classification (germline): Uncertain significance. Review status: criteria provided, multiple submitters, no conflicts (2 of 4 stars). 2 submissions from 2 submitters: Uncertain significance (2). Last evaluated 2019-05-09.

Conditions:
Autosomal recessive limb-girdle muscular dystrophy type 2W (MDRCMTT). Also called: Muscular dystrophy, autosomal recessive, with cardiomyopathy and triangular tongue; Muscular dystrophy, limb-girdle, type 2W. Identifiers: MedGen C4225192, MONDO:0014788, OMIM 616827.

Allele frequency attached by ClinVar (database versions not stated): gnomAD 0.00001.
gnomAD v4.1: 3 of 1,613,506 alleles (0.00019%); highest among the groups gnomAD compares: African/African-American, 0.0027%; no homozygotes.

Submissions (2):

Revvity Omics, Revvity
Classification: Uncertain significance for Autosomal recessive limb-girdle muscular dystrophy type 2W. Last evaluated: 2019-05-09. Review status: criteria provided, single submitter. Criteria: ACMG Guidelines, 2015. Collection method: clinical testing. Allele origin: germline.

Labcorp Genetics (formerly Invitae), Labcorp
Classification: Uncertain significance for Autosomal recessive limb-girdle muscular dystrophy type 2W. Last evaluated: 2018-06-20. Review status: criteria provided, single submitter. Criteria: Invitae Variant Classification Sherloc (09022015). Collection method: clinical testing. Allele origin: germline.
Comment: In summary, the available evidence is currently insufficient to determine the role of this variant in disease. Therefore, it has been classified as a Variant of Uncertain Significance. Algorithms developed to predict the effect of missense changes on protein structure and function (SIFT, PolyPhen-2, Align-GVGD) all suggest that this variant is likely to be disruptive, but these predictions have not been confirmed by published functional studies and their clinical significance is uncertain. This variant has not been reported in the literature in individuals with LIMS2-related disease. This variant is not present in population databases (ExAC no frequency). This sequence change replaces histidine with tyrosine at codon 245 of the LIMS2 protein (p.His245Tyr). The histidine residue is highly conserved and there is a moderate physicochemical difference between histidine and tyrosine.

NM_001161403.3(LIMS2):c.661C>T (p.His221Tyr)

Gene: LIMS2 (LIM zinc finger domain containing 2; minus strand). Cytogenetic location: 2q14.3.
Variant type: single nucleotide variant.
Coding change: c.661C>T on transcript NM_001161403.3 (MANE Select); coding-DNA position 661, C replaced by T.
Protein change: p.His221Tyr; replaces histidine 221 with tyrosine.
Molecular consequence: missense variant.
Genome position (GRCh38, 1-based): chr2:127,640,988, G>A on the plus strand (C>T on the coding strand, the complement: LIMS2 is on the minus strand). VCF-style: chr2-127640988-G-A. GRCh37 (hg19) VCF-style: chr2-128398563-G-A.
Other names: c.727C>T, p.His243Tyr (NM_001136037.4); c.646C>T, p.His216Tyr (NM_001161404.2); c.205C>T, p.His69Tyr (NM_001256542.2); c.733C>T, p.His245Tyr (NM_017980.5); c.727C>T (NM_001136037.2); short protein forms H216Y, H245Y, H221Y, H243Y, H69Y.
Identifiers: ClinVar variation 582942 (VCV000582942.11), dbSNP rs1490885244, ClinGen allele CA348424832.